The following is an entry in ClinVar:

NM_012414.4(RAB3GAP2):c.1159G>A (p.Gly387Ser)

Gene: RAB3GAP2 (RAB3 GTPase activating non-catalytic protein subunit 2; minus strand). Cytogenetic location: 1q41.
Variant type: single nucleotide variant.
Coding change: c.1159G>A on transcript NM_012414.4 (MANE Select); coding-DNA position 1159, G replaced by A.
Protein change: p.Gly387Ser; replaces glycine 387 with serine.
Molecular consequence: missense variant.
Genome position (GRCh38, 1-based): chr1:220,193,351, C>T on the plus strand (G>A on the coding strand, the complement: RAB3GAP2 is on the minus strand). VCF-style: chr1-220193351-C-T. GRCh37 (hg19) VCF-style: chr1-220366693-C-T.
Other names: short protein forms G387S.
Identifiers: ClinVar variation 295662 (VCV000295662.11), dbSNP rs886046023, ClinGen allele CA10610196.

ClinVar aggregate classification (germline): Uncertain significance. Review status: criteria provided, multiple submitters, no conflicts (2 of 4 stars). 5 submissions from 4 submitters: Uncertain significance (5). Last evaluated 2025-09-28.

Conditions:
Warburg micro syndrome 2 (WARBM2). Also called: MICRO SYNDROME 2. Identifiers: Orphanet 2510, MedGen C3280214, MONDO:0013641, OMIM 614225.
Martsolf syndrome (MARTS). Also called: Congenital cataract with intellectual disability and hypogonadotropic hypogonadism syndrome. Identifiers: Orphanet 1387, MedGen C0796037, MONDO:0023910.
Inborn genetic diseases. Identifiers: MedGen C0950123, MeSH D030342.

Allele frequency attached by ClinVar (database versions not stated): gnomAD 0.00001 and 0.00003; gnomAD exomes 0.00001; TOPMed 0.00003.
gnomAD v4.1: 17 of 1,613,886 alleles (0.0011%); highest among the groups gnomAD compares: Middle Eastern, 0.033%; 1 homozygote.

Submissions (5):

Ambry Genetics
Classification: Uncertain significance for Inborn genetic diseases. Last evaluated: 2025-09-28. Review status: criteria provided, single submitter. Criteria: Ambry Variant Classification Scheme 2023. Collection method: clinical testing. Allele origin: germline.

Labcorp Genetics (formerly Invitae), Labcorp
Classification: Uncertain significance for Martsolf syndrome; Warburg micro syndrome 2. Last evaluated: 2024-02-19. Review status: criteria provided, single submitter. Criteria: Invitae Variant Classification Sherloc (09022015). Collection method: clinical testing. Allele origin: germline.
Comment: This sequence change replaces glycine, which is neutral and non-polar, with serine, which is neutral and polar, at codon 387 of the RAB3GAP2 protein (p.Gly387Ser). This variant is not present in population databases (gnomAD no frequency). This variant has not been reported in the literature in individuals affected with RAB3GAP2-related conditions. ClinVar contains an entry for this variant (Variation ID: 295662). Advanced modeling of protein sequence and biophysical properties (such as structural, functional, and spatial information, amino acid conservation, physicochemical variation, residue mobility, and thermodynamic stability) performed at Invitae indicates that this missense variant is not expected to disrupt RAB3GAP2 protein function with a negative predictive value of 80%. In summary, the available evidence is currently insufficient to determine the role of this variant in disease. Therefore, it has been classified as a Variant of Uncertain Significance.

GeneDx
Classification: Uncertain significance. Last evaluated: 2023-01-15. Review status: criteria provided, single submitter. Criteria: GeneDx Variant Classification Process June 2021. Collection method: clinical testing. Allele origin: germline. Affected: yes.
Comment: Not observed at significant frequency in large population cohorts (gnomAD); In silico analysis supports that this missense variant has a deleterious effect on protein structure/function; Has not been previously published as pathogenic or benign to our knowledge

Illumina Laboratory Services, Illumina
Classification: Uncertain significance for Warburg micro syndrome 2. Last evaluated: 2018-01-13. Review status: criteria provided, single submitter. Criteria: ICSL Variant Classification Criteria 13 December 2019. Collection method: clinical testing. Allele origin: germline.

Illumina Laboratory Services, Illumina
Classification: Uncertain significance for Martsolf syndrome 1. Last evaluated: 2018-01-13. Review status: criteria provided, single submitter. Criteria: ICSL Variant Classification Criteria 13 December 2019. Collection method: clinical testing. Allele origin: germline.